The following is an entry in ClinVar:

NM_001999.4(FBN2):c.3106G>C (p.Glu1036Gln)

Genes: FBN2 (fibrillin 2; minus strand), LOC126807501 (BRD4-independent group 4 enhancer GRCh37_chr5:127680731-127681930; plus strand). Cytogenetic location: 5q23.3.
Variant type: single nucleotide variant.
Coding change: c.3106G>C on transcript NM_001999.4 (MANE Select); coding-DNA position 3106, G replaced by C.
Protein change: p.Glu1036Gln; replaces glutamic acid 1036 with glutamine.
Molecular consequence: missense variant.
Genome position (GRCh38, 1-based): chr5:128,345,468, C>G on the plus strand (G>C on the coding strand, the complement: FBN2 is on the minus strand). VCF-style: chr5-128345468-C-G. GRCh37 (hg19) VCF-style: chr5-127681160-C-G.
Other names: short protein forms E1036Q.
Identifiers: ClinVar variation 528423 (VCV000528423.9), dbSNP rs773473369, ClinGen allele CA127018905.

ClinVar aggregate classification (germline): Uncertain significance (1 of 4 stars; one submission).

Conditions:
Congenital contractural arachnodactyly (CCA). Also called: Beals-Hecht syndrome; BEALS SYNDROME; Arthrogryposis, distal, type 9. Identifiers: Orphanet 115, MedGen C0220668, MONDO:0007363, OMIM 121050.

Allele frequency attached by ClinVar (database versions not stated): TOPMed 0.00001.
gnomAD v4.1: 5 of 1,613,988 alleles (0.00031%); highest among the groups gnomAD compares: Non-Finnish European, 0.00042%; no homozygotes.

Submission:

Labcorp Genetics (formerly Invitae), Labcorp
Classification: Uncertain significance for Congenital contractural arachnodactyly. Last evaluated: 2022-06-10. Review status: criteria provided, single submitter. Criteria: Invitae Variant Classification Sherloc (09022015). Collection method: clinical testing. Allele origin: germline.
Comment: In summary, the available evidence is currently insufficient to determine the role of this variant in disease. Therefore, it has been classified as a Variant of Uncertain Significance. Advanced modeling of protein sequence and biophysical properties (such as structural, functional, and spatial information, amino acid conservation, physicochemical variation, residue mobility, and thermodynamic stability) performed at Invitae indicates that this missense variant is not expected to disrupt FBN2 protein function. ClinVar contains an entry for this variant (Variation ID: 528423). This variant has not been reported in the literature in individuals affected with FBN2-related conditions. This variant is not present in population databases (gnomAD no frequency). This sequence change replaces glutamic acid, which is acidic and polar, with glutamine, which is neutral and polar, at codon 1036 of the FBN2 protein (p.Glu1036Gln).